The following is an entry in ClinVar:

ClinVar aggregate classification (germline): Uncertain significance (1 of 4 stars; one submission).

Submission:

Women's Health and Genetics/Laboratory Corporation of America, LabCorp
Classification: Uncertain significance. Last evaluated: 2024-03-01. Review status: criteria provided, single submitter. Criteria: LabCorp Variant Classification Summary - May 2015. Collection method: clinical testing. Allele origin: germline.
Comment: Variant summary: NDUFA10 c.76-1_86del12 is located in a canonical splice-site and is predicted to affect mRNA splicing resulting in a significantly altered protein due to either exon skipping, shortening, or inclusion of intronic material. The common mechanism for disease is gain of function, therefore, the implications of a potential splicing impact cannot be established at this time. The variant allele was found at a frequency of 1.2e-05 in 251414 control chromosomes. The available data on variant occurrences in the general population are insufficient to allow any conclusion about variant significance. To our knowledge, no occurrence of c.76-1_86del12 in individuals affected with Mitochondrial Complex 1 Deficiency, Nuclear Type 22 and no experimental evidence demonstrating its impact on protein function have been reported. No submitters have cited clinical-significance assessments for this variant to ClinVar. Based on the evidence outlined above, the variant was classified as uncertain significance.

NM_004544.4(NDUFA10):c.76-1_86del

Gene: NDUFA10 (NADH:ubiquinone oxidoreductase subunit A10; minus strand). Cytogenetic location: 2q37.3.
Variant type: Deletion.
Coding change: c.76-1_86del on transcript NM_004544.4 (MANE Select); the canonical splice acceptor site of the intron before coding-DNA position 76 through coding-DNA position 86, 12 bases deleted (GAGAGGAATTCA).
Molecular consequence: splice acceptor variant.
Genome position (GRCh38, 1-based): chr2:240,022,330-240,022,341, TGAATTCCTCTC deleted on the plus strand (GAGAGGAATTCA on the coding strand, the reverse complement: NDUFA10 is on the minus strand); deleting any 12 consecutive bases within chr2:240,022,330-240,022,345 gives the same sequence; the c. name uses the placement nearest the transcript's 3' end. VCF-style (leftmost placement, unchanged base first): chr2-240022329-ATGAATTCCTCTC-A. GRCh37 (hg19) VCF-style: chr2-240961746-ATGAATTCCTCTC-A.
Other names: c.76-1_86del (NM_001322020.2, NM_001410987.1, NM_001322019.2); c.76-1_86del12 (NM_004544.4).
Identifiers: ClinVar variation 3233685 (VCV003233685.2), dbSNP rs751255623, ClinGen allele CA2201149.